The following is an entry in ClinVar:

NM_001199138.2(NLRC4):c.953C>A (p.Ala318Asp)

Gene: NLRC4 (NLR family CARD domain containing 4; minus strand). Cytogenetic location: 2p22.3.
Variant type: single nucleotide variant.
Coding change: c.953C>A on transcript NM_001199138.2 (MANE Select); coding-DNA position 953, C replaced by A.
Protein change: p.Ala318Asp; replaces alanine 318 with aspartic acid.
Molecular consequence: missense variant. On other transcripts: intron variant (1).
Genome position (GRCh38, 1-based): chr2:32,250,911, G>T on the plus strand (C>A on the coding strand, the complement: NLRC4 is on the minus strand). VCF-style: chr2-32250911-G-T. GRCh37 (hg19) VCF-style: chr2-32475980-G-T.
Other names: c.953C>A, p.Ala318Asp (NM_001199139.2, NM_021209.5); c.262+1508C>A (NM_001302504.1); short protein forms A318D.
Identifiers: ClinVar variation 3756911 (VCV003756911.2).

ClinVar aggregate classification (germline): Uncertain significance (1 of 4 stars; one submission).

Conditions:
Periodic fever-infantile enterocolitis-autoinflammatory syndrome. Also called: Autoinflammation with infantile enterocolitis. Identifiers: Orphanet 436166, MedGen C4015067, MONDO:0014472, OMIM 616050.
Familial cold autoinflammatory syndrome 4 (FCAS4). Identifiers: Orphanet 47045, Orphanet 576349, MedGen C4015276, MONDO:0014498, OMIM 616115.

Submission:

Labcorp Genetics (formerly Invitae), Labcorp
Classification: Uncertain significance for Periodic fever-infantile enterocolitis-autoinflammatory syndrome; Familial cold autoinflammatory syndrome 4. Last evaluated: 2024-07-16. Review status: criteria provided, single submitter. Criteria: Invitae Variant Classification Sherloc (09022015). Collection method: clinical testing. Allele origin: germline.
Comment: This sequence change replaces alanine, which is neutral and non-polar, with aspartic acid, which is acidic and polar, at codon 318 of the NLRC4 protein (p.Ala318Asp). This variant is not present in population databases (gnomAD no frequency). This variant has not been reported in the literature in individuals affected with NLRC4-related conditions. Advanced modeling of protein sequence and biophysical properties (such as structural, functional, and spatial information, amino acid conservation, physicochemical variation, residue mobility, and thermodynamic stability) performed at Invitae indicates that this missense variant is expected to disrupt NLRC4 protein function with a positive predictive value of 80%. In summary, the available evidence is currently insufficient to determine the role of this variant in disease. Therefore, it has been classified as a Variant of Uncertain Significance.